The following is an entry in ClinVar:

NM_000071.3(CBS):c.1039G>T (p.Gly347Cys)

Gene: CBS (cystathionine beta-synthase; minus strand). Cytogenetic location: 21q22.3.
Variant type: single nucleotide variant.
Coding change: c.1039G>T on transcript NM_000071.3 (MANE Select); coding-DNA position 1039, G replaced by T.
Protein change: p.Gly347Cys; replaces glycine 347 with cysteine.
Molecular consequence: missense variant.
Genome position (GRCh38, 1-based): chr21:43,062,311, C>A on the plus strand (G>T on the coding strand, the complement: CBS is on the minus strand). VCF-style: chr21-43062311-C-A. GRCh37 (hg19) VCF-style: chr21-44482421-C-A.
Other names: c.1039G>T, p.Gly347Cys (NM_001178008.3, NM_001178009.3, NM_001320298.2); c.724G>T, p.Gly242Cys (NM_001321072.1); short protein forms G242C, G347C.
Identifiers: ClinVar variation 2581416 (VCV002581416.1), dbSNP rs771298943, ClinGen allele CA321090508.

ClinVar aggregate classification (germline): Uncertain significance (1 of 4 stars; one submission).

Allele frequency attached by ClinVar (database versions not stated): ExAC 0.00001.

Submission:

Women's Health and Genetics/Laboratory Corporation of America, LabCorp
Classification: Uncertain significance. Last evaluated: 2023-08-29. Review status: criteria provided, single submitter. Criteria: LabCorp Variant Classification Summary - May 2015. Collection method: clinical testing. Allele origin: germline.
Comment: Variant summary: CBS c.1039G>T (p.Gly347Cys) results in a non-conservative amino acid change located in the Tryptophan synthase beta chain-like, PALP domain (IPR001926) of the encoded protein sequence. Five of five in-silico tools predict a damaging effect of the variant on protein function. The variant was absent in 248910 control chromosomes (gnomAD). The available data on variant occurrences in the general population are insufficient to allow any conclusion about variant significance. To our knowledge, no occurrence of c.1039G>T in individuals affected with Homocystinuria and no experimental evidence demonstrating its impact on protein function have been reported. No submitters have cited clinical-significance assessments for this variant to ClinVar after 2014. However, a different missense variant at this position has been classified as pathogenic previously (c.1039G>A [p.Gly347Ser], ClinVar:188801), indicating that Gly347 may of clinical significance. Based on the evidence outlined above, the variant was classified as uncertain significance.